The following is an entry in ClinVar:

NM_005629.4(SLC6A8):c.1597-20C>T

Gene: SLC6A8 (solute carrier family 6 member 8; plus strand). Cytogenetic location: Xq28.
Variant type: single nucleotide variant.
Coding change: c.1597-20C>T on transcript NM_005629.4 (MANE Select); 20 bases into the intron before coding-DNA position 1597, C replaced by T.
Molecular consequence: intron variant.
Genome position (GRCh38, 1-based): chrX:153,694,699, C>T. VCF-style: chrX-153694699-C-T. GRCh37 (hg19) VCF-style: chrX-152960154-C-T.
Other names: c.1567-20C>T (NM_001142805.2); c.1252-20C>T (NM_001142806.1).
Identifiers: ClinVar variation 386853 (VCV000386853.9), dbSNP rs781894858, ClinGen allele CA10549592.
Genomic context (GRCh38, chrX:153,694,699, plus strand): 5'-GGCTGGGGGAGGTGGGGCAGGGCGGGGGGCGAGGCAGGGCGGGGTAGGGGCCCCATTAAC[C>T]GCAGCATTCTGGTCCGTAGGGCATCTTCATCTTCAACGTTGTGTACTACGAGCCGCTGGT-3'

ClinVar aggregate classification (germline): Benign/Likely benign. Review status: criteria provided, multiple submitters, no conflicts (2 of 4 stars). 3 submissions from 3 submitters: Benign (1); Likely benign (2). Last evaluated 2026-01-11.

Conditions:
Creatine transporter deficiency (CCDS1). Also called: Mental retardation , X-linked with seizures, short stature and midface hypoplasia; Mental retardation , X-linked, with creatine transport deficiency; X-linked creatine transporter deficiency; X-linked creatine deficiency syndrome; SLC6A8-Related Creatine Transporter Deficiency; CREATINE TRANSPORTER DEFECT. Identifiers: Orphanet 52503, MedGen C1845862, MONDO:0010305, OMIM 300352.

Allele frequency attached by ClinVar (database versions not stated): gnomAD 0.00006 and 0.00007; TOPMed 0.00008.

Submissions (3):

Labcorp Genetics (formerly Invitae), Labcorp
Classification: Benign for Creatine transporter deficiency. Last evaluated: 2026-01-11. Review status: criteria provided, single submitter. Criteria: Invitae Variant Classification Sherloc (09022015). Collection method: clinical testing. Allele origin: germline.

Blueprint Genetics
Classification: Likely benign. Last evaluated: 2023-08-10. Review status: criteria provided, single submitter. Criteria: ACMG Guidelines, 2015. Collection method: clinical testing. Allele origin: germline.

GeneDx
Classification: Likely benign. Last evaluated: 2017-10-25. Review status: criteria provided, single submitter. Criteria: GeneDx Variant Classification (06012015). Collection method: clinical testing. Allele origin: germline. Affected: yes.
Comment: This variant is considered likely benign or benign based on one or more of the following criteria: it is a conservative change, it occurs at a poorly conserved position in the protein, it is predicted to be benign by multiple in silico algorithms, and/or has population frequency not consistent with disease.